The following is an entry in ClinVar:

NM_000540.3(RYR1):c.13382C>A (p.Thr4461Lys)

Gene: RYR1 (ryanodine receptor 1; plus strand). Cytogenetic location: 19q13.2.
Variant type: single nucleotide variant.
Coding change: c.13382C>A on transcript NM_000540.3 (MANE Select); coding-DNA position 13382, C replaced by A.
Protein change: p.Thr4461Lys; replaces threonine 4461 with lysine.
Molecular consequence: missense variant.
Genome position (GRCh38, 1-based): chr19:38,565,716, C>A. VCF-style: chr19-38565716-C-A. GRCh37 (hg19) VCF-style: chr19-39056356-C-A.
Other names: c.13367C>A, p.Thr4456Lys (NM_001042723.2); short protein forms T4456K, T4461K.
Identifiers: ClinVar variation 1999025 (VCV001999025.4), dbSNP rs1299546084, ClinGen allele CA405675402.
Genomic context (GRCh38, chr19:38,565,716, plus strand): 5'-CCGATGGGGGCCCCTTCCGGCCCGAAGGGGCTGGCGGTCTCGGGGACATGGGGGACACGA[C>A]GCCTGCGGAACCGCCCACACCCGAGGGCTCTCCCATCCTCAAGAGGAAATTGGGGGTGAG-3'
Protein context (NP_000531.2, residues 4451-4471): AGGLGDMGDT[Thr4461Lys]PAEPPTPEGS

ClinVar aggregate classification (germline): Uncertain significance (1 of 4 stars; one submission).

Conditions:
RYR1-related disorder. Also called: RYR1-related condition; RYR1-related disorders. Identifiers: MedGen CN239331.

Submission:

Labcorp Genetics (formerly Invitae), Labcorp
Classification: Uncertain significance for RYR1-related disorder. Last evaluated: 2022-06-09. Review status: criteria provided, single submitter. Criteria: Invitae Variant Classification Sherloc (09022015). Collection method: clinical testing. Allele origin: germline.
Comment: This sequence change replaces threonine, which is neutral and polar, with lysine, which is basic and polar, at codon 4461 of the RYR1 protein (p.Thr4461Lys). This variant is not present in population databases (gnomAD no frequency). In summary, the available evidence is currently insufficient to determine the role of this variant in disease. Therefore, it has been classified as a Variant of Uncertain Significance. Advanced modeling of protein sequence and biophysical properties (such as structural, functional, and spatial information, amino acid conservation, physicochemical variation, residue mobility, and thermodynamic stability) performed at Invitae indicates that this missense variant is not expected to disrupt RYR1 protein function. This variant has not been reported in the literature in individuals affected with RYR1-related conditions.